The following is an entry in ClinVar:

NM_001142800.2(EYS):c.6772dup (p.Met2258fs)

Gene: EYS (EGF-like photoreceptor maintenance factor; minus strand). Cytogenetic location: 6q12.
Variant type: Duplication.
Coding change: c.6772dup on transcript NM_001142800.2 (MANE Select); coding-DNA position 6772, one base duplicated (A; older notation c.6772dupA).
Protein change: p.Met2258fs; shifts the reading frame from methionine 2258.
Molecular consequence: frameshift variant.
Genome position (GRCh38, 1-based): chr6:63,999,137, T duplicated on the plus strand (A on the coding strand, the reverse complement: EYS is on the minus strand); the first of 3 consecutive T bases (chr6:63,999,137-63,999,139); duplicating any one gives the same sequence. VCF-style (leftmost placement, unchanged base first): chr6-63999136-A-AT. GRCh37 (hg19) VCF-style: chr6-64709029-A-AT.
Other names: c.6772dup, p.Met2258fs (NM_001292009.2); short protein forms M2258fs.
Identifiers: ClinVar variation 2045511 (VCV002045511.4), dbSNP rs2533373962, ClinGen allele CA2580075626.
Genomic context (GRCh38, chr6:63,999,136, plus strand): 5'-TGAGAGGCATGGGAAATCTCTGTGTCTTTCTTCTGTACTGGAGGTTTTCCATCTGCAGTC[A>AT]TTTCAATCATACAAACAACTCCAGGGCTGCCAACAGGCGTTGTGTAGCTAAACGTAAAAC-3'

ClinVar aggregate classification (germline): Pathogenic (1 of 4 stars; one submission).

Submission:

Labcorp Genetics (formerly Invitae), Labcorp
Classification: Pathogenic. Last evaluated: 2025-10-27. Review status: criteria provided, single submitter. Criteria: Invitae Variant Classification Sherloc (09022015). Collection method: clinical testing. Allele origin: germline.
Comment: This sequence change creates a premature translational stop signal (p.Met2258Asnfs*25) in the EYS gene. It is expected to result in an absent or disrupted protein product. Loss-of-function variants in EYS are known to be pathogenic (PMID: 18836446, 20333770). This variant is not present in population databases (gnomAD no frequency). This variant has not been reported in the literature in individuals affected with EYS-related conditions. ClinVar contains an entry for this variant (Variation ID: 2045511). For these reasons, this variant has been classified as Pathogenic.

Literature cited by the submitters: PubMed 18836446; PubMed 20333770.